The following is an entry in ClinVar:

NM_017763.6(RNF43):c.2276A>C (p.Tyr759Ser)

Gene: RNF43 (ring finger protein 43; minus strand). Cytogenetic location: 17q22.
Variant type: single nucleotide variant.
Coding change: c.2276A>C on transcript NM_017763.6 (MANE Select); coding-DNA position 2276, A replaced by C.
Protein change: p.Tyr759Ser; replaces tyrosine 759 with serine.
Molecular consequence: missense variant.
Genome position (GRCh38, 1-based): chr17:58,357,500, T>G on the plus strand (A>C on the coding strand, the complement: RNF43 is on the minus strand). VCF-style: chr17-58357500-T-G. GRCh37 (hg19) VCF-style: chr17-56434861-T-G.
Other names: c.2276A>C, p.Tyr759Ser (NM_001305544.3); c.1895A>C, p.Tyr632Ser (NM_001305545.2); short protein forms Y632S, Y759S.
Identifiers: ClinVar variation 3434497 (VCV003434497.1).

ClinVar aggregate classification (germline): Uncertain significance (1 of 4 stars; one submission).

gnomAD v4.1: 7 of 1,614,098 alleles (0.00043%); highest among the groups gnomAD compares: Admixed American, 0.012%; no homozygotes.

Submission:

Ambry Genetics
Classification: Uncertain significance. Last evaluated: 2024-11-18. Review status: criteria provided, single submitter. Criteria: Ambry Variant Classification Scheme 2023. Collection method: clinical testing. Allele origin: germline.
Comment: The p.Y759S variant (also known as c.2276A>C), located in coding exon 8 of the RNF43 gene, results from an A to C substitution at nucleotide position 2276. The tyrosine at codon 759 is replaced by serine, an amino acid with dissimilar properties. This amino acid position is conserved. In addition, this alteration is predicted to be tolerated by in silico analysis. Based on the available evidence, the clinical significance of this variant remains unclear.